The following continues an entry in ClinVar:

NM_001243133.2(NLRP3):c.2107C>A (p.Gln703Lys)

Gene: NLRP3. ClinVar aggregate classification (germline): Conflicting classifications of pathogenicity. Uncertain significance (1); Benign (13); Likely benign (3).

Submissions 24 to 55 of 55:

Dr. Peter K. Rogan Lab, Western University
No classification provided (evidence only). Condition: Acute myeloid leukemia. Review status: no classification provided. Collection method: in vitro. Allele origin: not applicable. Functional consequence: retained intron. Not counted in ClinVar's aggregate classification.

Dr. Peter K. Rogan Lab, Western University
No classification provided (evidence only). Condition: Acute myeloid leukemia. Review status: no classification provided. Collection method: in vitro. Allele origin: not applicable. Functional consequence: retained intron. Not counted in ClinVar's aggregate classification.

Dr. Peter K. Rogan Lab, Western University
No classification provided (evidence only). Condition: Acute myeloid leukemia. Review status: no classification provided. Collection method: in vitro. Allele origin: not applicable. Functional consequence: retained intron. Not counted in ClinVar's aggregate classification.

Dr. Peter K. Rogan Lab, Western University
No classification provided (evidence only). Condition: Acute myeloid leukemia. Review status: no classification provided. Collection method: in vitro. Allele origin: not applicable. Functional consequence: retained intron. Not counted in ClinVar's aggregate classification.

Dr. Peter K. Rogan Lab, Western University
No classification provided (evidence only). Condition: Acute myeloid leukemia. Review status: no classification provided. Collection method: in vitro. Allele origin: not applicable. Functional consequence: retained intron. Not counted in ClinVar's aggregate classification.

Dr. Peter K. Rogan Lab, Western University
No classification provided (evidence only). Condition: Acute myeloid leukemia. Review status: no classification provided. Collection method: in vitro. Allele origin: not applicable. Functional consequence: retained intron. Not counted in ClinVar's aggregate classification.

Dr. Peter K. Rogan Lab, Western University
No classification provided (evidence only). Condition: Colon adenocarcinoma. Review status: no classification provided. Collection method: in vitro. Allele origin: not applicable. Functional consequence: retained intron. Not counted in ClinVar's aggregate classification.

Dr. Peter K. Rogan Lab, Western University
No classification provided (evidence only). Condition: Colorectal cancer. Review status: no classification provided. Collection method: in vitro. Allele origin: not applicable. Functional consequence: retained intron. Not counted in ClinVar's aggregate classification.

Dr. Peter K. Rogan Lab, Western University
No classification provided (evidence only). Condition: Colorectal cancer. Review status: no classification provided. Collection method: in vitro. Allele origin: not applicable. Functional consequence: retained intron. Not counted in ClinVar's aggregate classification.

Dr. Peter K. Rogan Lab, Western University
No classification provided (evidence only). Condition: Colorectal cancer. Review status: no classification provided. Collection method: in vitro. Allele origin: not applicable. Functional consequence: retained intron. Not counted in ClinVar's aggregate classification.

Dr. Peter K. Rogan Lab, Western University
No classification provided (evidence only). Condition: Uterine corpus endometrial carcinoma. Review status: no classification provided. Collection method: in vitro. Allele origin: not applicable. Functional consequence: retained intron. Not counted in ClinVar's aggregate classification.

Dr. Peter K. Rogan Lab, Western University
No classification provided (evidence only). Condition: Cervical cancer. Review status: no classification provided. Collection method: in vitro. Allele origin: not applicable. Functional consequence: retained intron. Not counted in ClinVar's aggregate classification.

Dr. Peter K. Rogan Lab, Western University
No classification provided (evidence only). Condition: Cervical cancer. Review status: no classification provided. Collection method: in vitro. Allele origin: not applicable. Functional consequence: retained intron. Not counted in ClinVar's aggregate classification.

Dr. Peter K. Rogan Lab, Western University
No classification provided (evidence only). Condition: Cervical cancer. Review status: no classification provided. Collection method: in vitro. Allele origin: not applicable. Functional consequence: retained intron. Not counted in ClinVar's aggregate classification.

Dr. Peter K. Rogan Lab, Western University
No classification provided (evidence only). Condition: Cervical cancer. Review status: no classification provided. Collection method: in vitro. Allele origin: not applicable. Functional consequence: retained intron. Not counted in ClinVar's aggregate classification.

Dr. Peter K. Rogan Lab, Western University
No classification provided (evidence only). Condition: Cervical cancer. Review status: no classification provided. Collection method: in vitro. Allele origin: not applicable. Functional consequence: retained intron. Not counted in ClinVar's aggregate classification.

Dr. Peter K. Rogan Lab, Western University
No classification provided (evidence only). Condition: Malignant lymphoma, large B-cell, diffuse. Review status: no classification provided. Collection method: in vitro. Allele origin: not applicable. Functional consequence: retained intron. Not counted in ClinVar's aggregate classification.

Dr. Peter K. Rogan Lab, Western University
No classification provided (evidence only). Condition: Hepatocellular carcinoma. Review status: no classification provided. Collection method: in vitro. Allele origin: not applicable. Functional consequence: retained intron. Not counted in ClinVar's aggregate classification.

Dr. Peter K. Rogan Lab, Western University
No classification provided (evidence only). Condition: Hepatocellular carcinoma. Review status: no classification provided. Collection method: in vitro. Allele origin: not applicable. Functional consequence: retained intron. Not counted in ClinVar's aggregate classification.

Dr. Peter K. Rogan Lab, Western University
No classification provided (evidence only). Condition: Hepatocellular carcinoma. Review status: no classification provided. Collection method: in vitro. Allele origin: not applicable. Functional consequence: retained intron. Not counted in ClinVar's aggregate classification.

Dr. Peter K. Rogan Lab, Western University
No classification provided (evidence only). Condition: Hepatocellular carcinoma. Review status: no classification provided. Collection method: in vitro. Allele origin: not applicable. Functional consequence: retained intron. Not counted in ClinVar's aggregate classification.

Dr. Peter K. Rogan Lab, Western University
No classification provided (evidence only). Condition: Hepatocellular carcinoma. Review status: no classification provided. Collection method: in vitro. Allele origin: not applicable. Functional consequence: retained intron. Not counted in ClinVar's aggregate classification.

Dr. Peter K. Rogan Lab, Western University
No classification provided (evidence only). Condition: Thymoma. Review status: no classification provided. Collection method: in vitro. Allele origin: not applicable. Functional consequence: retained intron. Not counted in ClinVar's aggregate classification.

Dr. Peter K. Rogan Lab, Western University
No classification provided (evidence only). Condition: Thymoma. Review status: no classification provided. Collection method: in vitro. Allele origin: not applicable. Functional consequence: retained intron. Not counted in ClinVar's aggregate classification.

Dr. Peter K. Rogan Lab, Western University
No classification provided (evidence only). Condition: Thymoma. Review status: no classification provided. Collection method: in vitro. Allele origin: not applicable. Functional consequence: retained intron. Not counted in ClinVar's aggregate classification.

Dr. Peter K. Rogan Lab, Western University
No classification provided (evidence only). Condition: Thymoma. Review status: no classification provided. Collection method: in vitro. Allele origin: not applicable. Functional consequence: retained intron. Not counted in ClinVar's aggregate classification.

Dr. Peter K. Rogan Lab, Western University
No classification provided (evidence only). Condition: Thymoma. Review status: no classification provided. Collection method: in vitro. Allele origin: not applicable. Functional consequence: retained intron. Not counted in ClinVar's aggregate classification.

Dr. Peter K. Rogan Lab, Western University
No classification provided (evidence only). Condition: Thymoma. Review status: no classification provided. Collection method: in vitro. Allele origin: not applicable. Functional consequence: retained intron. Not counted in ClinVar's aggregate classification.

Dr. Peter K. Rogan Lab, Western University
No classification provided (evidence only). Condition: Thymoma. Review status: no classification provided. Collection method: in vitro. Allele origin: not applicable. Functional consequence: retained intron. Not counted in ClinVar's aggregate classification.

Genome Diagnostics Laboratory, University Medical Center Utrecht
Classification: Benign. Review status: no assertion criteria provided. Collection method: clinical testing. Allele origin: germline. Affected: yes. Study: VKGL Data-share Consensus. Not counted in ClinVar's aggregate classification.

Joint Genome Diagnostic Labs from Nijmegen and Maastricht, Radboudumc and MUMC+
Classification: Benign. Review status: no assertion criteria provided. Collection method: clinical testing. Allele origin: germline. Affected: yes. Study: VKGL Data-share Consensus. Not counted in ClinVar's aggregate classification.

Laboratory of Diagnostic Genome Analysis, Leiden University Medical Center (LUMC)
Classification: Likely benign. Review status: no assertion criteria provided. Collection method: clinical testing. Allele origin: germline. Affected: yes. Study: VKGL Data-share Consensus. Not counted in ClinVar's aggregate classification.

Literature cited by the submitters: PubMed 27036377 (cited by Laboratory for Molecular Medicine, Mass General Brigham Personalized Medicine and Athena Diagnostics); PubMed 22128899 (cited by Laboratory for Molecular Medicine, Mass General Brigham Personalized Medicine and Athena Diagnostics); PubMed 27819323 (cited by Laboratory for Molecular Medicine, Mass General Brigham Personalized Medicine); PubMed 29977033 (cited by Laboratory for Molecular Medicine, Mass General Brigham Personalized Medicine and Athena Diagnostics); PubMed 29148409 (cited by Laboratory for Molecular Medicine, Mass General Brigham Personalized Medicine and Athena Diagnostics); PubMed 29102545 (cited by Laboratory for Molecular Medicine, Mass General Brigham Personalized Medicine); PubMed 29117789 (cited by Laboratory for Molecular Medicine, Mass General Brigham Personalized Medicine); PubMed 19319132 (cited by Laboratory for Molecular Medicine, Mass General Brigham Personalized Medicine and Athena Diagnostics); PubMed 30214525 (cited by Laboratory for Molecular Medicine, Mass General Brigham Personalized Medicine); PubMed 18263599 (cited by Laboratory for Molecular Medicine, Mass General Brigham Personalized Medicine); PubMed 27060062 (cited by Laboratory for Molecular Medicine, Mass General Brigham Personalized Medicine and Athena Diagnostics); PubMed 20182451 (cited by Laboratory for Molecular Medicine, Mass General Brigham Personalized Medicine and Athena Diagnostics); PubMed 28185410 (cited by Laboratory for Molecular Medicine, Mass General Brigham Personalized Medicine and Athena Diagnostics); PubMed 22529966 (cited by Athena Diagnostics); PubMed 24649046 (cited by Athena Diagnostics); PubMed 26535712 (cited by Athena Diagnostics); PubMed 21245836 (cited by Athena Diagnostics); PubMed 26178285 (cited by Athena Diagnostics); PubMed 28137891 (cited by Athena Diagnostics); PubMed 26020059 (cited by Athena Diagnostics); PubMed 21621776 (cited by Athena Diagnostics); PubMed 22843550 (cited by Athena Diagnostics); PubMed 26273672 (cited by Athena Diagnostics); PubMed 22524199 (cited by Athena Diagnostics); PubMed 24158955 (cited by Athena Diagnostics); PubMed 25586466 (cited by Athena Diagnostics); PubMed 26033552 (cited by Athena Diagnostics); PubMed 24098386 (cited by Athena Diagnostics); PubMed 17509468 (cited by Athena Diagnostics and Illumina Laboratory Services, Illumina); PubMed 22403613 (cited by Athena Diagnostics); PubMed 26848126 (cited by Athena Diagnostics); PubMed 28692792 (cited by Athena Diagnostics); PubMed 27943647 (cited by Athena Diagnostics); PubMed 25596455 (cited by Athena Diagnostics); PubMed 18311798 (cited by Athena Diagnostics); PubMed 22935299 (cited by Athena Diagnostics); PubMed 28028683 (cited by Athena Diagnostics); PubMed 24431285 (cited by Athena Diagnostics).